The following is an entry in ClinVar:

NM_000088.4(COL1A1):c.439C>T (p.Pro147Ser)

Gene: COL1A1 (collagen type I alpha 1 chain; minus strand). Cytogenetic location: 17q21.33.
Variant type: single nucleotide variant.
Coding change: c.439C>T on transcript NM_000088.4 (MANE Select); coding-DNA position 439, C replaced by T.
Protein change: p.Pro147Ser; replaces proline 147 with serine.
Molecular consequence: missense variant.
Genome position (GRCh38, 1-based): chr17:50,199,258, G>A on the plus strand (C>T on the coding strand, the complement: COL1A1 is on the minus strand). VCF-style: chr17-50199258-G-A. GRCh37 (hg19) VCF-style: chr17-48276619-G-A.
Other names: short protein forms P147S.
Identifiers: ClinVar variation 3018832 (VCV003018832.3), dbSNP rs2509253493, ClinGen allele CA400227327.

ClinVar aggregate classification (germline): Uncertain significance (1 of 4 stars; one submission).

Conditions:
Osteogenesis imperfecta type I (OI1). Also called: Lobstein disease; OI, TYPE I; OSTEOGENESIS IMPERFECTA TARDA; OSTEOGENESIS IMPERFECTA WITH BLUE SCLERAE; Classic Non-deforming Osteogenesis Imperfecta with Blue Sclerae; Osteogenesis imperfecta type 1. Identifiers: Orphanet 216796, Orphanet 666, MedGen C0023931, MONDO:0008146, OMIM 166200. Disease mechanism: loss of function.

Submission:

Labcorp Genetics (formerly Invitae), Labcorp
Classification: Uncertain significance for Osteogenesis imperfecta type I. Last evaluated: 2024-01-24. Review status: criteria provided, single submitter. Criteria: Invitae Variant Classification Sherloc (09022015). Collection method: clinical testing. Allele origin: germline.
Comment: This sequence change replaces proline, which is neutral and non-polar, with serine, which is neutral and polar, at codon 147 of the COL1A1 protein (p.Pro147Ser). This variant is not present in population databases (gnomAD no frequency). This variant has not been reported in the literature in individuals affected with COL1A1-related conditions. Advanced modeling of protein sequence and biophysical properties (such as structural, functional, and spatial information, amino acid conservation, physicochemical variation, residue mobility, and thermodynamic stability) performed at Invitae indicates that this missense variant is not expected to disrupt COL1A1 protein function with a negative predictive value of 95%. In summary, the available evidence is currently insufficient to determine the role of this variant in disease. Therefore, it has been classified as a Variant of Uncertain Significance.